The following is an entry in ClinVar:

ClinVar aggregate classification (germline): Uncertain significance (1 of 4 stars; one submission).

Conditions:
KDM3B-related disorder. Also called: KDM3B-related condition.

Submission:

PreventionGenetics, part of Exact Sciences
Classification: Uncertain significance for KDM3B-related condition. Last evaluated: 2022-09-16. Review status: criteria provided, single submitter. Criteria: ACMG Guidelines, 2015. Collection method: clinical testing. Allele origin: germline.
Comment: The KDM3B c.880G>C variant is predicted to result in the amino acid substitution p.Gly294Arg. To our knowledge, this variant has not been reported in the literature or in a large population database, indicating this variant is rare. At this time, the clinical significance of this variant is uncertain due to the absence of conclusive functional and genetic evidence.

NM_016604.4(KDM3B):c.880G>C (p.Gly294Arg)

Gene: KDM3B (lysine demethylase 3B; plus strand). Cytogenetic location: 5q31.2.
Variant type: single nucleotide variant.
Coding change: c.880G>C on transcript NM_016604.4 (MANE Select); coding-DNA position 880, G replaced by C.
Protein change: p.Gly294Arg; replaces glycine 294 with arginine.
Molecular consequence: missense variant.
Genome position (GRCh38, 1-based): chr5:138,386,121, G>C. VCF-style: chr5-138386121-G-C. GRCh37 (hg19) VCF-style: chr5-137721810-G-C.
Other names: short protein forms G294R.
Identifiers: ClinVar variation 2636967 (VCV002636967.1), dbSNP rs2480189341, ClinGen allele CA361100056.